The following is an entry in ClinVar:

ClinVar aggregate classification (germline): Pathogenic (1 of 4 stars; one submission).

Conditions:
Inborn genetic diseases. Identifiers: MedGen C0950123, MeSH D030342.

gnomAD v4.1: 3 of 1,614,060 alleles (0.00019%); highest among the groups gnomAD compares: East Asian, 0.0045%; no homozygotes.

Submission:

Ambry Genetics
Classification: Pathogenic for Inborn genetic diseases. Last evaluated: 2025-06-13. Review status: criteria provided, single submitter. Criteria: Ambry Variant Classification Scheme 2023. Collection method: clinical testing. Allele origin: germline.
Comment: The c.241G>T (p.E81*) alteration, located in exon 4 (coding exon 3) of the COQ8B gene, consists of a G to T substitution at nucleotide position 241. This changes the amino acid from a glutamic acid (E) to a stop codon at amino acid position 81. This alteration is expected to result in loss of function by premature protein truncation or nonsense-mediated mRNA decay. Based on data from gnomAD, the T allele has an overall frequency of 0.003% (1/31386) total alleles studied. The highest observed frequency was 0.064% (1/1560) of East Asian alleles. This variant has been identified in the homozygous state and/or in conjunction with other COQ8B variant(s) in individual(s) with features consistent with COQ8B-related primary coenzyme Q10 deficiency; in at least one instance, the variants were identified in trans (Wang, 2017). Based on the available evidence, this alteration is classified as pathogenic.

Literature cited by the submitters: PubMed 28204945.

NM_024876.4(COQ8B):c.241G>T (p.Glu81Ter)

Gene: COQ8B (coenzyme Q8B; minus strand). Cytogenetic location: 19q13.2.
Variant type: single nucleotide variant.
Coding change: c.241G>T on transcript NM_024876.4 (MANE Select); coding-DNA position 241, G replaced by T.
Protein change: p.Glu81Ter; replaces glutamic acid 81 with a stop codon.
Molecular consequence: nonsense.
Genome position (GRCh38, 1-based): chr19:40,714,115, C>A on the plus strand (G>T on the coding strand, the complement: COQ8B is on the minus strand). VCF-style: chr19-40714115-C-A. GRCh37 (hg19) VCF-style: chr19-41220020-C-A.
Other names: c.241G>T, p.Glu81Ter (NM_001142555.3); short protein forms E81*.
Identifiers: ClinVar variation 4005848 (VCV004005848.1).
Genomic context (GRCh38, chr19:40,714,115, plus strand): 5'-AGTCACACCTACCCCCAAAGTTGGCCAAGCGGCTGATGCGGGAGGCAGGCACCTTGCGTT[C>A]TCGAGAGCGGTCACTCAGCTGGGAAATGGGGACAAGGTCTGAGGGTGGGAAAGTGGGCAT-3'